The following is an entry in ClinVar:

ClinVar aggregate classification (germline): Uncertain significance (1 of 4 stars; one submission).

gnomAD v4.1: 10 of 1,614,176 alleles (0.00062%); highest among the groups gnomAD compares: Non-Finnish European, 0.00085%; no homozygotes.

Submission:

Labcorp Genetics (formerly Invitae), Labcorp
Classification: Uncertain significance. Last evaluated: 2025-11-01. Review status: criteria provided, single submitter. Criteria: Invitae Variant Classification Sherloc (09022015). Collection method: clinical testing. Allele origin: germline.
Comment: This sequence change replaces arginine, which is basic and polar, with serine, which is neutral and polar, at codon 492 of the NLRP1 protein (p.Arg492Ser). This variant is not present in population databases (gnomAD no frequency). This variant has not been reported in the literature in individuals affected with NLRP1-related conditions. ClinVar contains an entry for this variant (Variation ID: 2902440). An algorithm developed to predict the effect of missense changes on protein structure and function (PolyPhen-2) suggests that this variant is likely to be tolerated. In summary, the available evidence is currently insufficient to determine the role of this variant in disease. Therefore, it has been classified as a Variant of Uncertain Significance.

NM_033004.4(NLRP1):c.1476A>C (p.Arg492Ser)

Gene: NLRP1 (NLR family pyrin domain containing 1; minus strand). Cytogenetic location: 17p13.2.
Variant type: single nucleotide variant.
Coding change: c.1476A>C on transcript NM_033004.4 (MANE Select); coding-DNA position 1476, A replaced by C.
Protein change: p.Arg492Ser; replaces arginine 492 with serine.
Molecular consequence: missense variant.
Genome position (GRCh38, 1-based): chr17:5,559,220, T>G on the plus strand (A>C on the coding strand, the complement: NLRP1 is on the minus strand). VCF-style: chr17-5559220-T-G. GRCh37 (hg19) VCF-style: chr17-5462540-T-G.
Other names: c.1476A>C, p.Arg492Ser (NM_001033053.3, NM_014922.5, NM_033006.4 and 1 more transcripts); short protein forms R492S.
Identifiers: ClinVar variation 2902440 (VCV002902440.3), dbSNP rs1914452995, ClinGen allele CA397385762.